The following is an entry in ClinVar:

ClinVar aggregate classification (germline): Uncertain significance (1 of 4 stars; one submission).

Conditions:
Inborn genetic diseases. Identifiers: MedGen C0950123, MeSH D030342.

Submission:

Ambry Genetics
Classification: Uncertain significance for Inborn genetic diseases. Last evaluated: 2025-06-22. Review status: criteria provided, single submitter. Criteria: Ambry Variant Classification Scheme 2023. Collection method: clinical testing. Allele origin: germline.
Comment: The p.L308P variant (also known as c.923T>C), located in coding exon 7 of the BUB1B gene, results from a T to C substitution at nucleotide position 923. The leucine at codon 308 is replaced by proline, an amino acid with similar properties. This amino acid position is conserved. In addition, the in silico prediction for this alteration is inconclusive. Since supporting evidence is limited at this time, the clinical significance of this alteration remains unclear.

NM_001211.6(BUB1B):c.923T>C (p.Leu308Pro)

Gene: BUB1B (BUB1 mitotic checkpoint serine/threonine kinase B; plus strand). Cytogenetic location: 15q15.1.
Variant type: single nucleotide variant.
Coding change: c.923T>C on transcript NM_001211.6 (MANE Select); coding-DNA position 923, T replaced by C.
Protein change: p.Leu308Pro; replaces leucine 308 with proline.
Molecular consequence: missense variant.
Genome position (GRCh38, 1-based): chr15:40,185,336, T>C. VCF-style: chr15-40185336-T-C. GRCh37 (hg19) VCF-style: chr15-40477537-T-C.
Other names: short protein forms L308P.
Identifiers: ClinVar variation 1766297 (VCV001766297.3), dbSNP rs2542535717, ClinGen allele CA391684702.